The following is an entry in ClinVar:

ClinVar aggregate classification (germline): Likely pathogenic (1 of 4 stars; one submission).

Submission:

Labcorp Genetics (formerly Invitae), Labcorp
Classification: Likely pathogenic. Last evaluated: 2021-07-07. Review status: criteria provided, single submitter. Criteria: Invitae Variant Classification Sherloc (09022015). Collection method: clinical testing. Allele origin: germline.
Comment: This sequence change affects a splice site in intron 4 of the EMC1 gene. It is expected to disrupt RNA splicing. Variants that disrupt the donor or acceptor splice site typically lead to a loss of protein function (PMID: 16199547), and loss-of-function variants in EMC1 are known to be pathogenic (PMID: 26572623, 26942288, 29271071). This variant is not present in population databases (ExAC no frequency). This variant has not been reported in the literature in individuals affected with EMC1-related conditions. Algorithms developed to predict the effect of sequence changes on RNA splicing suggest that this variant may disrupt the consensus splice site. In summary, the currently available evidence indicates that the variant is pathogenic, but additional data are needed to prove that conclusively. Therefore, this variant has been classified as Likely Pathogenic.

Literature cited by the submitters: PubMed 16199547; PubMed 26572623; PubMed 26942288; PubMed 29271071.

NM_015047.3(EMC1):c.380+1del

Gene: EMC1 (ER membrane protein complex subunit 1; minus strand). Cytogenetic location: 1p36.13.
Variant type: Deletion.
Coding change: c.380+1del on transcript NM_015047.3 (MANE Select); the canonical splice donor site of the intron after coding-DNA position 380, one base deleted (G; older notation c.380+1delG).
Molecular consequence: splice donor variant.
Genome position (GRCh38, 1-based): chr1:19,243,613, C deleted on the plus strand (G on the coding strand, the reverse complement: EMC1 is on the minus strand); the first of 2 consecutive C bases (chr1:19,243,613-19,243,614); deleting either gives the same sequence. VCF-style (leftmost placement, unchanged base first): chr1-19243612-AC-A. GRCh37 (hg19) VCF-style: chr1-19570106-AC-A.
Other names: c.314+1del (NM_001271429.2); c.380+1del (NM_001271427.2, NM_001375821.1, NM_001271428.2 and 1 more transcripts).
Identifiers: ClinVar variation 1514302 (VCV001514302.6), dbSNP rs2151962465, ClinGen allele CA2573130821.
Genomic context (GRCh38, chr1:19,243,612, plus strand): 5'-GCAGATCTGTGTTCCGGTGAAGCCTTTAACTCAGTCAAGATAAAATCCAGTTTCTCCCCT[AC>A]CTGCCACTGTCCAGGGTTATCTCCCAGTTCAGGCCCCCGATGTTAGTCTCCCAGGAACGC-3'